The following is an entry in ClinVar:

ClinVar aggregate classification (germline): Benign. Review status: criteria provided, multiple submitters, no conflicts (2 of 4 stars). 4 submissions from 3 submitters: Benign (4). Last evaluated 2021-05-14.

Conditions:
Liddle syndrome 2. Identifiers: MedGen C4748251, MONDO:0020854, OMIM 618114.
Pseudohypoaldosteronism, type IB1, autosomal recessive. Also called: Pseudohypoaldosteronism, Type I, Autosomal Recessive; PHA I, AUTOSOMAL RECESSIVE; Pseudohypoaldosteronism, Type I, Recessive; Autosomal recessive pseudohypoaldosteronism type 1. Identifiers: Orphanet 171876, Orphanet 756, MedGen C5774176, MONDO:0009917, OMIM 264350.

Allele frequency attached by ClinVar (database versions not stated): gnomAD exomes 0.31616; 1000 Genomes Project 30x 0.33854; 1000 Genomes Project 0.33946; gnomAD 0.41133 and 0.41685; TOPMed 0.41148.

Submissions (4):

GeneDx
Classification: Benign. Last evaluated: 2021-05-14. Review status: criteria provided, single submitter. Criteria: GeneDx Variant Classification Process June 2021. Collection method: clinical testing. Allele origin: germline. Affected: yes.

Illumina Laboratory Services, Illumina
Classification: Benign for Liddle syndrome 2. Last evaluated: 2017-04-27. Review status: criteria provided, single submitter. Criteria: ICSL Variant Classification Criteria 13 December 2019. Collection method: clinical testing. Allele origin: germline.
Comment: This variant was observed as part of a predisposition screen in an ostensibly healthy population. A literature search was performed for the gene, cDNA change, and amino acid change (where applicable). No publications were found based on this search. Allele frequency data from public databases was too high to be consistent with this variant causing disease. Therefore, this variant is classified as benign.

Illumina Laboratory Services, Illumina
Classification: Benign for Pseudohypoaldosteronism, type IB1, autosomal recessive. Last evaluated: 2017-04-27. Review status: criteria provided, single submitter. Criteria: ICSL Variant Classification Criteria 13 December 2019. Collection method: clinical testing. Allele origin: germline.
Comment: the same text as in the submission from Illumina Laboratory Services, Illumina above.

Breakthrough Genomics
Classification: Benign. Review status: criteria provided, single submitter. Criteria: ACMG Guidelines, 2015. Collection method: not provided. Allele origin: germline. Inheritance: Autosomal dominant inheritance. Affected: yes.

NM_001039.4(SCNN1G):c.*659T>C

Gene: SCNN1G (sodium channel epithelial 1 subunit gamma; plus strand). Cytogenetic location: 16p12.2.
Variant type: single nucleotide variant.
Coding change: c.*659T>C on transcript NM_001039.4 (MANE Select); 659 bases downstream of the stop codon, T replaced by C.
Molecular consequence: 3 prime UTR variant.
Genome position (GRCh38, 1-based): chr16:23,216,128, T>C. VCF-style: chr16-23216128-T-C. GRCh37 (hg19) VCF-style: chr16-23227449-T-C.
Identifiers: ClinVar variation 318371 (VCV000318371.9), dbSNP rs9922851, ClinGen allele CA10643196.